The following is an entry in ClinVar:

NM_000057.4(BLM):c.4204C>G (p.Pro1402Ala)

Gene: BLM (BLM RecQ like helicase; plus strand). Cytogenetic location: 15q26.1.
Variant type: single nucleotide variant.
Coding change: c.4204C>G on transcript NM_000057.4 (MANE Select); coding-DNA position 4204, C replaced by G.
Protein change: p.Pro1402Ala; replaces proline 1402 with alanine.
Molecular consequence: missense variant.
Genome position (GRCh38, 1-based): chr15:90,815,229, C>G. VCF-style: chr15-90815229-C-G. GRCh37 (hg19) VCF-style: chr15-91358459-C-G.
Other names: c.4204C>G, p.Pro1402Ala (NM_001287246.2); c.3811C>G, p.Pro1271Ala (NM_001287247.2); c.3079C>G, p.Pro1027Ala (NM_001287248.2); short protein forms P1027A, P1271A, P1402A.
Identifiers: ClinVar variation 4622401 (VCV004622401.1).

ClinVar aggregate classification (germline): Uncertain significance (1 of 4 stars; one submission).

Conditions:
Hereditary cancer-predisposing syndrome. Also called: Neoplastic Syndromes, Hereditary; Tumor predisposition; Hereditary Cancer Syndrome; Hereditary neoplastic syndrome. Identifiers: Orphanet 140162, MedGen C0027672, MeSH D009386, MONDO:0015356.

gnomAD v4.1: 2 of 1,614,078 alleles (0.00012%); highest among the groups gnomAD compares: Non-Finnish European, 0.00017%; no homozygotes.

Submission:

Ambry Genetics
Classification: Uncertain significance for Hereditary cancer-predisposing syndrome. Last evaluated: 2025-11-04. Review status: criteria provided, single submitter. Criteria: Ambry Variant Classification Scheme 2023. Collection method: clinical testing. Allele origin: germline.
Comment: The p.P1402A variant (also known as c.4204C>G), located in coding exon 21 of the BLM gene, results from a C to G substitution at nucleotide position 4204. The proline at codon 1402 is replaced by alanine, an amino acid with highly similar properties. This amino acid position is conserved. In addition, the in silico prediction for this alteration is inconclusive. Based on the available evidence, the clinical significance of this variant remains unclear.